The following is an entry in ClinVar:

NM_001903.5(CTNNA1):c.1046C>A (p.Ser349Ter)

Gene: CTNNA1 (catenin alpha 1; plus strand). Cytogenetic location: 5q31.2.
Variant type: single nucleotide variant.
Coding change: c.1046C>A on transcript NM_001903.5 (MANE Select); coding-DNA position 1046, C replaced by A.
Protein change: p.Ser349Ter; replaces serine 349 with a stop codon.
Molecular consequence: nonsense.
Genome position (GRCh38, 1-based): chr5:138,827,702, C>A. VCF-style: chr5-138827702-C-A. GRCh37 (hg19) VCF-style: chr5-138163391-C-A.
Other names: c.1046C>A, p.Ser349Ter (NM_001290307.3, NM_001323982.2, NM_001323983.1 and 3 more transcripts); c.737C>A, p.Ser246Ter (NM_001290309.3); c.677C>A, p.Ser226Ter (NM_001290310.3); short protein forms S226*, S246*, S349*.
Identifiers: ClinVar variation 2673327 (VCV002673327.1), dbSNP rs201056930, ClinGen allele CA361131286.

ClinVar aggregate classification (germline): Pathogenic (1 of 4 stars; one submission).

Conditions:
Hereditary diffuse gastric adenocarcinoma (HDGC). Also called: DIFFUSE GASTRIC AND LOBULAR BREAST CANCER SYNDROME. Identifiers: Orphanet 26106, MedGen C1708349, MONDO:0007648, OMIM 137215.

Submission:

Myriad Genetics, Inc.
Classification: Pathogenic for Hereditary diffuse gastric adenocarcinoma. Last evaluated: 2023-08-31. Review status: criteria provided, single submitter. Criteria: Myriad Autosomal Dominant, Autosomal Recessive and X-Linked Classification Criteria (2023). Collection method: clinical testing. Allele origin: unknown.
Comment: This variant is considered pathogenic. This variant creates a termination codon and is predicted to result in premature protein truncation.